The following is an entry in ClinVar:

NM_001287491.2(TET3):c.1942C>T (p.Leu648=)

Gene: TET3 (tet methylcytosine dioxygenase 3; plus strand). Cytogenetic location: 2p13.1.
Variant type: single nucleotide variant.
Coding change: c.1942C>T on transcript NM_001287491.2 (MANE Select); coding-DNA position 1942, C replaced by T.
Protein change: p.Leu648=; no amino-acid change (leucine 648 retained).
Molecular consequence: synonymous variant.
Genome position (GRCh38, 1-based): chr2:74,047,859, C>T. VCF-style: chr2-74047859-C-T. GRCh37 (hg19) VCF-style: chr2-74274986-C-T.
Other names: c.1942C>T (NM_001287491.1); c.1663C>T, p.Leu555= (NM_001366022.1); c.1537C>T, p.Leu513= (NM_144993.1).
Identifiers: ClinVar variation 2651042 (VCV002651042.25), dbSNP rs200434401, ClinGen allele CA1718712.

ClinVar aggregate classification (germline): Likely benign. Review status: criteria provided, single submitter (1 of 4 stars). 2 submissions from 2 submitters: Likely benign (1). 1 of the submissions does not count toward it. Last evaluated 2026-09-01.

Conditions:
TET3-related disorder. Also called: TET3-Related Disease; TET3-related condition.

Allele frequency attached by ClinVar (database versions not stated): ESP Exome Variant Server 0.00008; TOPMed 0.00045; gnomAD exomes 0.00049; ExAC 0.00061; gnomAD 0.00065; 1000 Genomes Project 0.00100; 1000 Genomes Project 30x 0.00109.
gnomAD v4.1: 820 of 1,612,784 alleles (0.051%); highest among the groups gnomAD compares: Admixed American, 0.1%; 3 homozygotes.

Submissions (2):

CeGaT Center for Human Genetics Tuebingen
Classification: Likely benign. Last evaluated: 2026-09-01. Review status: criteria provided, single submitter. Criteria: CeGaT Center For Human Genetics Tuebingen Variant Classification Criteria Version 2. Collection method: clinical testing. Allele origin: germline. Affected: yes. Observed: 3 variant alleles.
Comment: TET3: BP4, BP7

PreventionGenetics, part of Exact Sciences
Classification: Likely benign for TET3-related condition. Last evaluated: 2019-11-14. Review status: no assertion criteria provided. Collection method: clinical testing. Allele origin: germline. Not counted in ClinVar's aggregate classification.
Comment: This variant is classified as likely benign based on ACMG/AMP sequence variant interpretation guidelines (Richards et al. 2015 PMID: 25741868, with internal and published modifications).